The following is an entry in ClinVar:

NM_000154.2(GALK1):c.987G>A (p.Val329=)

Gene: GALK1 (galactokinase 1; minus strand). Cytogenetic location: 17q25.1.
Variant type: single nucleotide variant.
Coding change: c.987G>A on transcript NM_000154.2 (MANE Select); coding-DNA position 987, G replaced by A.
Protein change: p.Val329=; no amino-acid change (valine 329 retained).
Molecular consequence: synonymous variant.
Genome position (GRCh38, 1-based): chr17:75,758,330, C>T on the plus strand (G>A on the coding strand, the complement: GALK1 is on the minus strand). VCF-style: chr17-75758330-C-T. GRCh37 (hg19) VCF-style: chr17-73754411-C-T.
Identifiers: ClinVar variation 772114 (VCV000772114.16), dbSNP rs184160171, ClinGen allele CA8770766.

ClinVar aggregate classification (germline): Benign/Likely benign. Review status: criteria provided, multiple submitters, no conflicts (2 of 4 stars). 4 submissions from 4 submitters: Benign (1); Likely benign (2). 1 of the submissions does not count toward it. Last evaluated 2026-01-26.

Conditions:
Deficiency of galactokinase. Also called: GALACTOSEMIA II; Galactokinase deficiency with cataracts. Identifiers: Orphanet 352, Orphanet 79237, MedGen C0268155, MONDO:0009255, OMIM 230200.

Allele frequency attached by ClinVar (database versions not stated): gnomAD 0.00018 and 0.00037; TOPMed 0.00029; gnomAD exomes 0.00030 and 0.00061; ExAC 0.00104; 1000 Genomes Project 30x 0.00156; 1000 Genomes Project 0.00200.
gnomAD v4.1: 512 of 1,594,704 alleles (0.032%); highest among the groups gnomAD compares: East Asian, 1%; 5 homozygotes.

Submissions (4):

Labcorp Genetics (formerly Invitae), Labcorp
Classification: Benign for Deficiency of galactokinase. Last evaluated: 2026-01-26. Review status: criteria provided, single submitter. Criteria: Invitae Variant Classification Sherloc (09022015). Collection method: clinical testing. Allele origin: germline.

Blueprint Genetics
Classification: Likely benign. Last evaluated: 2024-10-30. Review status: criteria provided, single submitter. Criteria: ACMG Guidelines, 2015. Collection method: clinical testing. Allele origin: germline.

Illumina Laboratory Services, Illumina
Classification: Likely benign for Deficiency of galactokinase. Last evaluated: 2017-04-27. Review status: criteria provided, single submitter. Criteria: ICSL Variant Classification Criteria 13 December 2019. Collection method: clinical testing. Allele origin: germline.
Comment: This variant was observed as part of a predisposition screen in an ostensibly healthy population. A literature search was performed for the gene, cDNA change, and amino acid change (where applicable). No publications were found based on this search. Allele frequency data from public databases allowed determination this variant is unlikely to cause disease. Therefore, this variant is classified as likely benign.

Natera, Inc.
Classification: Benign for Deficiency of galactokinase. Last evaluated: 2020-09-16. Review status: no assertion criteria provided. Collection method: clinical testing. Allele origin: germline. Not counted in ClinVar's aggregate classification.